The following is an entry in ClinVar:

ClinVar aggregate classification (germline): Likely benign (0 of 4 stars; one submission).

Conditions:
PLEKHA7-related disorder. Also called: PLEKHA7-related condition.

Allele frequency attached by ClinVar (database versions not stated): ExAC 0.00002; ESP Exome Variant Server 0.00008; gnomAD 0.00008; TOPMed 0.00010.
gnomAD v4.1: 44 of 1,614,124 alleles (0.0027%); highest among the groups gnomAD compares: African/African-American, 0.025%; no homozygotes.

Submission:

PreventionGenetics, part of Exact Sciences
Classification: Likely benign for PLEKHA7-related condition. Last evaluated: 2021-09-01. Review status: no assertion criteria provided. Collection method: clinical testing. Allele origin: germline.
Comment: This variant is classified as likely benign based on ACMG/AMP sequence variant interpretation guidelines (Richards et al. 2015 PMID: 25741868, with internal and published modifications).

NM_001329630.2(PLEKHA7):c.1098G>A (p.Ser366=)

Gene: PLEKHA7 (pleckstrin homology domain containing A7; minus strand). Cytogenetic location: 11p15.2.
Variant type: single nucleotide variant.
Coding change: c.1098G>A on transcript NM_001329630.2 (MANE Select); coding-DNA position 1098, G replaced by A.
Protein change: p.Ser366=; no amino-acid change (serine 366 retained).
Molecular consequence: synonymous variant.
Genome position (GRCh38, 1-based): chr11:16,826,365, C>T on the plus strand (G>A on the coding strand, the complement: PLEKHA7 is on the minus strand). VCF-style: chr11-16826365-C-T. GRCh37 (hg19) VCF-style: chr11-16847912-C-T.
Other names: c.1098G>A, p.Ser366= (NM_001329631.2, NM_001410960.1, NM_175058.5).
Identifiers: ClinVar variation 3031109 (VCV003031109.2), dbSNP rs375631588, ClinGen allele CA5899550.